The following is an entry in ClinVar:

NM_000135.4(FANCA):c.903G>T (p.Val301=)

Gene: FANCA (FA complementation group A; minus strand). Cytogenetic location: 16q24.3.
Variant type: single nucleotide variant.
Coding change: c.903G>T on transcript NM_000135.4 (MANE Select); coding-DNA position 903, G replaced by T.
Protein change: p.Val301=; no amino-acid change (valine 301 retained).
Molecular consequence: synonymous variant.
Genome position (GRCh38, 1-based): chr16:89,796,009, C>A on the plus strand (G>T on the coding strand, the complement: FANCA is on the minus strand). VCF-style: chr16-89796009-C-A. GRCh37 (hg19) VCF-style: chr16-89862417-C-A.
Other names: c.903G>T (LRG_495t1); c.903G>T, p.Val301= (NM_001286167.3).
Identifiers: ClinVar variation 237061 (VCV000237061.34), dbSNP rs56062548, ClinGen allele CA8252637.
Genomic context (GRCh38, chr16:89,796,009, plus strand): 5'-ACTGAAGAACCTCTTCAGAGGATCTGTGGAAATTACACTGCCAAGCGTGTGTCCACTGAA[C>A]ACTCCGAACCTGCCAATGCAGCAGAAAGAGGGGTCAGGAAAGGGAGGGTGCCTTGCACGC-3'
Protein context (NP_000126.2, residues 291-311): THKIVRCWFG[Val301=]FSGHTLGSVI

ClinVar aggregate classification (germline): Benign/Likely benign. Review status: criteria provided, multiple submitters, no conflicts (2 of 4 stars). 10 submissions from 10 submitters: Benign (5); Likely benign (4). 1 of the submissions does not count toward it. Last evaluated 2026-01-31.

Conditions:
Inborn genetic diseases. Identifiers: MedGen C0950123, MeSH D030342.
Fanconi anemia (FA). Also called: Fanconi's anemia. Identifiers: Orphanet 84, MedGen C0015625, MeSH D005199, MONDO:0019391.
Fanconi anemia complementation group A (FANCA). Also called: FANCA-Related Fanconi Anemia; Fanconi anemia, group A. Identifiers: Orphanet 84, MedGen C3469521, MONDO:0009215, OMIM 227650.

Allele frequency attached by ClinVar (database versions not stated): gnomAD exomes 0.00033 and 0.00103; ExAC 0.00135; 1000 Genomes Project 0.00479; 1000 Genomes Project 30x 0.00484; ESP Exome Variant Server 0.00600; gnomAD 0.00402 and 0.00432; TOPMed 0.00425.
gnomAD v4.1: 1,119 of 1,613,872 alleles (0.069%); highest among the groups gnomAD compares: African/African-American, 1.3%; 5 homozygotes.

Submissions (10):

Labcorp Genetics (formerly Invitae), Labcorp
Classification: Benign for Fanconi anemia. Last evaluated: 2026-01-31. Review status: criteria provided, single submitter. Criteria: Invitae Variant Classification Sherloc (09022015). Collection method: clinical testing. Allele origin: germline.

CeGaT Center for Human Genetics Tuebingen
Classification: Likely benign. Last evaluated: 2025-08-01. Review status: criteria provided, single submitter. Criteria: CeGaT Center For Human Genetics Tuebingen Variant Classification Criteria Version 2. Collection method: clinical testing. Allele origin: germline. Affected: yes. Observed: 2 variant alleles.
Comment: FANCA: BP4, BP7, BS1

Quest Diagnostics Nichols Institute San Juan Capistrano
Classification: Benign. Last evaluated: 2025-06-24. Review status: criteria provided, single submitter. Criteria: Quest Diagnostics criteria. Collection method: clinical testing. Allele origin: unknown.

Ambry Genetics
Classification: Likely benign for Inborn genetic diseases. Last evaluated: 2024-10-02. Review status: criteria provided, single submitter. Criteria: Ambry Variant Classification Scheme 2023. Collection method: clinical testing. Allele origin: germline.

Blueprint Genetics
Classification: Likely benign. Last evaluated: 2024-09-18. Review status: criteria provided, single submitter. Criteria: ACMG Guidelines, 2015. Collection method: clinical testing. Allele origin: germline.

KCCC/NGS Laboratory, Kuwait Cancer Control Center
Classification: Benign for Fanconi anemia complementation group A. Last evaluated: 2023-07-07. Review status: criteria provided, single submitter. Criteria: ACMG Guidelines, 2015. Collection method: clinical testing. Allele origin: germline. Affected: yes.

Fulgent Genetics
Classification: Likely benign for Fanconi anemia complementation group A. Last evaluated: 2021-08-05. Review status: criteria provided, single submitter. Criteria: ACMG Guidelines, 2015. Collection method: clinical testing. Allele origin: unknown.

Genetic Services Laboratory, University of Chicago
Classification: Benign. Last evaluated: 2021-02-15. Review status: criteria provided, single submitter. Criteria: ACMG Guidelines, 2015. Collection method: clinical testing. Allele origin: germline. Affected: no.

Illumina Laboratory Services, Illumina
Classification: Benign for Fanconi anemia complementation group A. Last evaluated: 2018-01-13. Review status: criteria provided, single submitter. Criteria: ICSL Variant Classification Criteria 13 December 2019. Collection method: clinical testing. Allele origin: germline.
Comment: This variant was observed in the ICSL laboratory as part of a predisposition screen in an ostensibly healthy population. It had not been previously curated by ICSL or reported in the Human Gene Mutation Database (HGMD: prior to June 1st, 2018), and was therefore a candidate for classification through an automated scoring system. Utilizing variant allele frequency, disease prevalence and penetrance estimates, and inheritance mode, an automated score was calculated to assess if this variant is too frequent to cause the disease. Based on the score and internal cut-off values, a variant classified as benign is not then subjected to further curation. The score for this variant resulted in a classification of benign for this disease.

Natera, Inc.
Classification: Likely benign for Fanconi anemia. Last evaluated: 2019-12-09. Review status: no assertion criteria provided. Collection method: clinical testing. Allele origin: germline. Not counted in ClinVar's aggregate classification.

Literature cited by the submitters: PubMed 32235514 (cited by Quest Diagnostics Nichols Institute San Juan Capistrano).